The following is an entry in ClinVar:

NM_001267550.2(TTN):c.36696del (p.Glu12233fs)

Gene: TTN (titin; minus strand). Cytogenetic location: 2q31.2.
Variant type: Deletion.
Coding change: c.36696del on transcript NM_001267550.2 (MANE Select); coding-DNA position 36696, one base deleted (T; older notation c.36696delT).
Protein change: p.Glu12233fs; shifts the reading frame from glutamic acid 12233.
Molecular consequence: frameshift variant. On other transcripts: intron variant (5).
Genome position (GRCh38, 1-based): chr2:178,663,270, A deleted on the plus strand (T on the coding strand, the reverse complement: TTN is on the minus strand). VCF-style (leftmost placement, unchanged base first): chr2-178663269-CA-C. GRCh37 (hg19) VCF-style: chr2-179527996-CA-C.
Other names: c.36696delT (NM_001267550.2); c.13283-20953del (NM_003319.4); c.13859-20953del (NM_133437.4); c.13658-20953del (NM_133432.3); c.31484-215del (NM_133378.4); c.34265-215del (NM_001256850.1); short protein forms E12233fs.
Identifiers: ClinVar variation 404813 (VCV000404813.9), dbSNP rs1060500458, ClinGen allele CA16610501.

ClinVar aggregate classification (germline): Uncertain significance (1 of 4 stars; one submission).

Conditions:
Dilated cardiomyopathy 1G (CMD1G). Identifiers: Orphanet 154, MedGen C1858763, MONDO:0011400, OMIM 604145.
Autosomal recessive limb-girdle muscular dystrophy type 2J (LGMDR10). Also called: Limb-girdle muscular dystrophy, type 2J; MUSCULAR DYSTROPHY, LIMB-GIRDLE, AUTOSOMAL RECESSIVE 10. Identifiers: Orphanet 140922, MedGen C1837342, MONDO:0012127, OMIM 608807.

Submission:

Labcorp Genetics (formerly Invitae), Labcorp
Classification: Uncertain significance for Dilated cardiomyopathy 1G; Autosomal recessive limb-girdle muscular dystrophy type 2J. Last evaluated: 2017-03-22. Review status: criteria provided, single submitter. Criteria: Invitae Variant Classification Sherloc (09022015). Collection method: clinical testing. Allele origin: germline.
Comment: This sequence change deletes 1 nucleotide from exon 173 of the TTN mRNA (c.36696delT), causing a frameshift at codon 12233. This creates a premature translational stop signal in the last exon of the TTN mRNA (p.Glu12233Lysfs*714). While this is not anticipated to result in nonsense mediated decay, it is expected to result in a truncated TTN protein. In summary, although this is a novel truncating variant, truncating variants have been shown to be highly prevalent in the TTN gene in the general population and unaffected individuals (PMID: 26701604, 22335739). Furthermore, this truncation is located outside of a clinically relevant region of the TTN gene (PMID: 25589632). For these reasons it has been classified as a Variant of Uncertain Significance. This variant is not present in population databases (ExAC no frequency) and has not been reported in the literature in individuals with a TTN-related disease.

Literature cited by the submitters: PubMed 26701604; PubMed 22335739; PubMed 25589632.